The following is an entry in ClinVar:

NM_139319.3(SLC17A8):c.788T>C (p.Met263Thr)

Gene: SLC17A8 (solute carrier family 17 member 8; plus strand). Cytogenetic location: 12q23.1.
Variant type: single nucleotide variant.
Coding change: c.788T>C on transcript NM_139319.3 (MANE Select); coding-DNA position 788, T replaced by C.
Protein change: p.Met263Thr; replaces methionine 263 with threonine.
Molecular consequence: missense variant.
Genome position (GRCh38, 1-based): chr12:100,402,364, T>C. VCF-style: chr12-100402364-T-C. GRCh37 (hg19) VCF-style: chr12-100796142-T-C.
Other names: c.788T>C, p.Met263Thr (NM_001145288.2); short protein forms M263T.
Identifiers: ClinVar variation 4874192 (VCV004874192.2).
Genomic context (GRCh38, chr12:100,402,364, plus strand): 5'-GACCATATAACCCAGCCTTTTCTTTTTTAACTGCAGGCATGTTTGGGATTATTTGGTACA[T>C]GTTTTGGCTGTTGCAGGCCTATGAGTGCCCAGCAGCTCATCCAACAATATCCAATGAGGA-3'
Protein context (NP_647480.1, residues 253-273): IYGMFGIIWY[Met263Thr]FWLLQAYECP

ClinVar aggregate classification (germline): Uncertain significance (1 of 4 stars; one submission).

Submission:

CeGaT Center for Human Genetics Tuebingen
Classification: Uncertain significance. Last evaluated: 2026-04-01. Review status: criteria provided, single submitter. Criteria: CeGaT Center For Human Genetics Tuebingen Variant Classification Criteria Version 2. Collection method: clinical testing. Allele origin: germline. Affected: yes. Observed: 1 variant allele.
Comment: SLC17A8: PM2, BP4